The following is an entry in ClinVar:

ClinVar aggregate classification (germline): Benign/Likely benign. Review status: criteria provided, multiple submitters, no conflicts (2 of 4 stars). 3 submissions from 3 submitters: Benign (1); Likely benign (2). Last evaluated 2025-04-23.

Conditions:
Hereditary cancer-predisposing syndrome. Also called: Hereditary neoplastic syndrome; Neoplastic Syndromes, Hereditary; Tumor predisposition; Hereditary Cancer Syndrome. Identifiers: Orphanet 140162, MedGen C0027672, MeSH D009386, MONDO:0015356.
Fanconi anemia complementation group J. Also called: BRIP1-Related Fanconi Anemia. Identifiers: Orphanet 84, MedGen C1836860, MONDO:0012187, OMIM 609054.
Familial cancer of breast. Also called: BREAST CANCER, FAMILIAL; Hereditary breast cancer; hereditary breast carcinoma. Identifiers: Orphanet 227535, MedGen C0346153, MONDO:0016419, OMIM 114480. Disease mechanism: loss of function.

Allele frequency attached by ClinVar (database versions not stated): gnomAD exomes below 0.00001.
gnomAD v4.1: 1 of 1,613,666 alleles (0.000062%); highest among the groups gnomAD compares: Admixed American, 0.0017%; no homozygotes.

Submissions (3):

Labcorp Genetics (formerly Invitae), Labcorp
Classification: Likely benign for Familial cancer of breast; Fanconi anemia complementation group J. Last evaluated: 2025-04-23. Review status: criteria provided, single submitter. Criteria: Invitae Variant Classification Sherloc (09022015). Collection method: clinical testing. Allele origin: germline.

Myriad Genetics, Inc.
Classification: Benign for Familial cancer of breast. Last evaluated: 2024-08-26. Review status: criteria provided, single submitter. Criteria: Myriad Autosomal Dominant, Autosomal Recessive and X-Linked Classification Criteria (2023). Collection method: clinical testing. Allele origin: unknown.
Comment: This variant is considered benign. This variant is a silent/synonymous amino acid change and it is not expected to impact splicing.

Ambry Genetics
Classification: Likely benign for Hereditary cancer-predisposing syndrome. Last evaluated: 2016-05-24. Review status: criteria provided, single submitter. Criteria: Ambry Variant Classification Scheme 2023. Collection method: clinical testing. Allele origin: germline.

NM_032043.3(BRIP1):c.1206T>C (p.Ala402=)

Gene: BRIP1 (BRCA1 interacting DNA helicase 1; minus strand). Cytogenetic location: 17q23.2.
Variant type: single nucleotide variant.
Coding change: c.1206T>C on transcript NM_032043.3 (MANE Select); coding-DNA position 1206, T replaced by C.
Protein change: p.Ala402=; no amino-acid change (alanine 402 retained).
Molecular consequence: synonymous variant.
Genome position (GRCh38, 1-based): chr17:61,799,234, A>G on the plus strand (T>C on the coding strand, the complement: BRIP1 is on the minus strand). VCF-style: chr17-61799234-A-G. GRCh37 (hg19) VCF-style: chr17-59876595-A-G.
Identifiers: ClinVar variation 481623 (VCV000481623.11), dbSNP rs1203573533, ClinGen allele CA501151585.